The following is an entry in ClinVar:

ClinVar aggregate classification (germline): Benign (0 of 4 stars; one submission).

Conditions:
LRP1B-related disorder. Also called: LRP1B-related condition.

Allele frequency attached by ClinVar (database versions not stated): ExAC 0.38797; ESP Exome Variant Server 0.39874; gnomAD 0.40282; TOPMed 0.42307; 1000 Genomes Project 0.50958; 1000 Genomes Project 30x 0.51265.
gnomAD v4.1: 556,712 of 1,611,336 alleles (35%); highest among the groups gnomAD compares: East Asian, 61%; 102,643 homozygotes.

Submission:

PreventionGenetics, part of Exact Sciences
Classification: Benign for LRP1B-related condition. Last evaluated: 2019-10-17. Review status: no assertion criteria provided. Collection method: clinical testing. Allele origin: germline.
Comment: This variant is classified as benign based on ACMG/AMP sequence variant interpretation guidelines (Richards et al. 2015 PMID: 25741868, with internal and published modifications).

NM_018557.3(LRP1B):c.2616C>T (p.Asp872=)

Gene: LRP1B (LDL receptor related protein 1B; minus strand). Cytogenetic location: 2q22.1.
Variant type: single nucleotide variant.
Coding change: c.2616C>T on transcript NM_018557.3 (MANE Select); coding-DNA position 2616, C replaced by T.
Protein change: p.Asp872=; no amino-acid change (aspartic acid 872 retained).
Molecular consequence: synonymous variant.
Genome position (GRCh38, 1-based): chr2:140,994,023, G>A on the plus strand (C>T on the coding strand, the complement: LRP1B is on the minus strand). VCF-style: chr2-140994023-G-A. GRCh37 (hg19) VCF-style: chr2-141751592-G-A.
Identifiers: ClinVar variation 3060015 (VCV003060015.2), dbSNP rs13007735, ClinGen allele CA1895693.